The following is an entry in ClinVar:

NM_014176.4(UBE2T):c.110-280_468+264dup

Gene: UBE2T (ubiquitin conjugating enzyme E2 T; minus strand). Cytogenetic location: 1q32.1.
Variant type: Duplication.
Coding change: c.110-280_468+264dup on transcript NM_014176.4 (MANE Select); 280 bases into the intron before coding-DNA position 110 through 264 bases into the intron after coding-DNA position 468, 2,593 bases duplicated.
Molecular consequence: splice acceptor variant, splice donor variant.
Genome position (GRCh38, 1-based): chr1:202,332,746-202,335,338, 2,593 bases duplicated. GRCh37 (hg19): chr1:202,301,874-202,304,466.
Other names: c.20-280_378+264dup (NM_001310326.2).
Identifiers: ClinVar variation 929629 (VCV000929629.1), ClinGen allele CA1139656508.

ClinVar aggregate classification (germline): Pathogenic (0 of 4 stars; one submission).

Conditions:
Fanconi anemia complementation group T. Identifiers: Orphanet 84, MedGen C4084840, MONDO:0014638, OMIM 616435.

Submission:

Leiden Open Variation Database
Classification: Pathogenic for Fanconi anemia complementation group T. Last evaluated: 2019-12-04. Review status: no assertion criteria provided. Collection method: curation. Allele origin: germline. Affected: yes.
Comment: Curator: Arleen D. Auerbach. Submitter to LOVD: Francis Lach.

Literature cited by the submitters: PubMed 26119737.